The following is an entry in ClinVar:

ClinVar aggregate classification (germline): Uncertain significance (1 of 4 stars; one submission).

Conditions:
Long QT syndrome (LQTS). Identifiers: MedGen C0023976, MeSH D008133, MONDO:0002442. Disease mechanism: loss of function. Inheritance: Various modes of inheritance.

gnomAD v4.1: 1 of 1,613,702 alleles (0.000062%); highest among the groups gnomAD compares: Non-Finnish European, 0.000085%; no homozygotes.

Submission:

Labcorp Genetics (formerly Invitae), Labcorp
Classification: Uncertain significance for Long QT syndrome. Last evaluated: 2019-04-10. Review status: criteria provided, single submitter. Criteria: Invitae Variant Classification Sherloc (09022015). Collection method: clinical testing. Allele origin: germline.
Comment: In summary, the available evidence is currently insufficient to determine the role of this variant in disease. Therefore, it has been classified as a Variant of Uncertain Significance. Algorithms developed to predict the effect of missense changes on protein structure and function (SIFT, PolyPhen-2, Align-GVGD) all suggest that this variant is likely to be tolerated, but these predictions have not been confirmed by published functional studies and their clinical significance is uncertain. This variant has not been reported in the literature in individuals with KCNQ1-related conditions. This variant is not present in population databases (ExAC no frequency). This sequence change replaces alanine with serine at codon 378 of the KCNQ1 protein (p.Ala378Ser). The alanine residue is moderately conserved and there is a moderate physicochemical difference between alanine and serine.

NM_000218.3(KCNQ1):c.1132G>T (p.Ala378Ser)

Gene: KCNQ1 (potassium voltage-gated channel subfamily Q member 1; plus strand). Cytogenetic location: 11p15.5.
Variant type: single nucleotide variant.
Coding change: c.1132G>T on transcript NM_000218.3 (MANE Select); coding-DNA position 1132, G replaced by T.
Protein change: p.Ala378Ser; replaces alanine 378 with serine.
Molecular consequence: missense variant.
Genome position (GRCh38, 1-based): chr11:2,587,573, G>T. VCF-style: chr11-2587573-G-T. GRCh37 (hg19) VCF-style: chr11-2608803-G-T.
Other names: c.1036G>T, p.Ala346Ser (NM_001406836.1); c.862G>T, p.Ala288Ser (NM_001406837.1); c.592G>T, p.Ala198Ser (NM_001406838.1); c.751G>T, p.Ala251Ser (NM_181798.2); short protein forms A251S, A378S, A346S, A198S, A288S.
Identifiers: ClinVar variation 948540 (VCV000948540.11), dbSNP rs756571615, ClinGen allele CA379134636.